The following is an entry in ClinVar:

ClinVar aggregate classification (germline): Benign. Review status: criteria provided, multiple submitters, no conflicts (2 of 4 stars). 4 submissions from 3 submitters: Benign (3). 1 of the submissions does not count toward it. Last evaluated 2026-01-26.

Conditions:
HPGD-related disorder. Also called: HPGD-related condition; HPGD-related disorders.
Hypertrophic osteoarthropathy, primary, autosomal recessive, 1 (PHOAR1). Also called: PHO, AUTOSOMAL RECESSIVE. Identifiers: Orphanet 1525, Orphanet 2796, MedGen C4551679, MONDO:0024546, OMIM 259100.
Isolated congenital digital clubbing. Also called: ACROPACHY, HEREDITARY; CLUBBING OF DIGITS. Identifiers: Orphanet 217059, MedGen C0345408, MONDO:0007343, OMIM 119900.

Allele frequency attached by ClinVar (database versions not stated): gnomAD exomes 0.00026 and 0.00080; gnomAD 0.00028 and 0.00040; TOPMed 0.00062; ExAC 0.00082; 1000 Genomes Project 30x 0.00203; 1000 Genomes Project 0.00240.
gnomAD v4.1: 448 of 1,611,702 alleles (0.028%); highest among the groups gnomAD compares: East Asian, 0.78%; 4 homozygotes.

Submissions (4):

Labcorp Genetics (formerly Invitae), Labcorp
Classification: Benign. Last evaluated: 2026-01-26. Review status: criteria provided, single submitter. Criteria: Invitae Variant Classification Sherloc (09022015). Collection method: clinical testing. Allele origin: germline.

Illumina Laboratory Services, Illumina
Classification: Benign for Hypertrophic osteoarthropathy, primary, autosomal recessive, 1. Last evaluated: 2018-01-12. Review status: criteria provided, single submitter. Criteria: ICSL Variant Classification Criteria 13 December 2019. Collection method: clinical testing. Allele origin: germline.
Comment: This variant was observed in the ICSL laboratory as part of a predisposition screen in an ostensibly healthy population. It had not been previously curated by ICSL or reported in the Human Gene Mutation Database (HGMD: prior to June 1st, 2018), and was therefore a candidate for classification through an automated scoring system. Utilizing variant allele frequency, disease prevalence and penetrance estimates, and inheritance mode, an automated score was calculated to assess if this variant is too frequent to cause the disease. Based on the score and internal cut-off values, a variant classified as benign is not then subjected to further curation. The score for this variant resulted in a classification of benign for this disease.

Illumina Laboratory Services, Illumina
Classification: Benign for Isolated congenital digital clubbing. Last evaluated: 2018-01-12. Review status: criteria provided, single submitter. Criteria: ICSL Variant Classification Criteria 13 December 2019. Collection method: clinical testing. Allele origin: germline.
Comment: the same text as in the submission from Illumina Laboratory Services, Illumina above.

PreventionGenetics, part of Exact Sciences
Classification: Likely benign for HPGD-related condition. Last evaluated: 2020-06-05. Review status: no assertion criteria provided. Collection method: clinical testing. Allele origin: germline. Not counted in ClinVar's aggregate classification.
Comment: This variant is classified as likely benign based on ACMG/AMP sequence variant interpretation guidelines (Richards et al. 2015 PMID: 25741868, with internal and published modifications).

NM_000860.6(HPGD):c.680A>G (p.Asn227Ser)

Gene: HPGD (15-hydroxyprostaglandin dehydrogenase; minus strand). Cytogenetic location: 4q34.1.
Variant type: single nucleotide variant.
Coding change: c.680A>G on transcript NM_000860.6 (MANE Select); coding-DNA position 680, A replaced by G.
Protein change: p.Asn227Ser; replaces asparagine 227 with serine.
Molecular consequence: missense variant. On other transcripts: synonymous variant (1), 3 prime UTR variant (1).
Genome position (GRCh38, 1-based): chr4:174,492,077, T>C on the plus strand (A>G on the coding strand, the complement: HPGD is on the minus strand). VCF-style: chr4-174492077-T-C. GRCh37 (hg19) VCF-style: chr4-175413228-T-C.
Other names: c.516A>G, p.Gln172= (NM_001145816.3); c.317A>G, p.Asn106Ser (NM_001256301.1, NM_001256307.2); c.*7A>G (NM_001256305.2); c.476A>G, p.Asn159Ser (NM_001256306.2); short protein forms N227S, N106S, N159S.
Identifiers: ClinVar variation 348200 (VCV000348200.16), dbSNP rs117270501, ClinGen allele CA3142176.